The following is an entry in ClinVar:

ClinVar aggregate classification (germline): Pathogenic. Review status: criteria provided, multiple submitters, no conflicts (2 of 4 stars). 2 submissions from 2 submitters: Pathogenic (2). Last evaluated 2024-02-20.

Conditions:
Polycystic kidney disease, adult type (PKD1). Also called: POLYCYSTIC KIDNEY DISEASE 1 WITH OR WITHOUT POLYCYSTIC LIVER DISEASE; POLYCYSTIC KIDNEY DISEASE, ADULT, TYPE I; Polycystic Kidney, Autosomal Dominant; Polycystic Kidney Disease 1, Autosomal Dominant; Polycystic kidney disease 1; Polycystic kidney disease 1, severe. Identifiers: MedGen C3149841, MONDO:0008263, OMIM 173900.

Submissions (2):

Fulgent Genetics
Classification: Pathogenic for Polycystic kidney disease, adult type. Last evaluated: 2024-02-20. Review status: criteria provided, single submitter. Criteria: ACMG Guidelines, 2015. Collection method: clinical testing. Allele origin: germline.

ARUP Laboratories, Molecular Genetics and Genomics, ARUP Laboratories
Classification: Pathogenic for Polycystic kidney disease, adult type. Last evaluated: 2018-12-10. Review status: criteria provided, single submitter. Criteria: ARUP Molecular Germline Variant Investigation Process. Collection method: clinical testing. Allele origin: germline.
Comment: The PKD1 c.6795C>A; p.Tyr2265Ter variant, is reported in the literature in individuals affected with polycystic kidney disease (Garcia-Gonzalez 2007). This variant is absent from general population databases (1000 Genomes Project, Exome Variant Server, and Genome Aggregation Database), indicating it is not a common polymorphism. This variant induces an early termination codon and is predicted to result in a truncated protein or mRNA subject to nonsense-mediated decay. Based on available information, the p.Tyr2265Ter variant is considered to be pathogenic. References: Garcia-Gonzalez MA et al. Evaluating the clinical utility of a molecular genetic test for polycystic kidney disease. Mol Genet Metab. 2007 Sep-Oct;92(1-2):160-7.

NM_001009944.3(PKD1):c.6795C>A (p.Tyr2265Ter)

Gene: PKD1 (polycystin 1, transient receptor potential channel interacting; minus strand). Cytogenetic location: 16p13.3.
Variant type: single nucleotide variant.
Coding change: c.6795C>A on transcript NM_001009944.3 (MANE Select); coding-DNA position 6795, C replaced by A.
Protein change: p.Tyr2265Ter; replaces tyrosine 2265 with a stop codon.
Molecular consequence: nonsense.
Genome position (GRCh38, 1-based): chr16:2,108,372, G>T on the plus strand (C>A on the coding strand, the complement: PKD1 is on the minus strand). VCF-style: chr16-2108372-G-T. GRCh37 (hg19) VCF-style: chr16-2158373-G-T.
Other names: c.6795C>A, p.Tyr2265Ter (NM_000296.4); short protein forms Y2265*.
Identifiers: ClinVar variation 811234 (VCV000811234.9), dbSNP rs1312494071, ClinGen allele CA394372874.